The following is an entry in ClinVar:

ClinVar aggregate classification (germline): Uncertain significance (1 of 4 stars; one submission).

Conditions:
HNSHA due to aldolase A deficiency (GSD12). Also called: Glycogen storage disease due to aldolase A deficiency; GLYCOGEN STORAGE DISEASE XII; GSD XII; RED CELL ALDOLASE DEFICIENCY. Identifiers: Orphanet 57, MedGen C0272066, MONDO:0012747, OMIM 611881.

gnomAD v4.1: 2 of 1,614,098 alleles (0.00012%); highest among the groups gnomAD compares: South Asian, 0.0022%; no homozygotes.

Submission:

Human Genetics Bochum, Ruhr University Bochum
Classification: Uncertain significance for HNSHA due to aldolase A deficiency. Last evaluated: 2026-05-29. Review status: criteria provided, single submitter. Criteria: ACMG Guidelines, 2015. Collection method: clinical testing. Allele origin: germline. Affected: yes.
Comment: in homozygous state; ACMG criteria used to clasify this variant: PP3_MOD, PM2_SUP

NM_001243177.4(ALDOA):c.861G>C (p.Met287Ile)

Genes: ALDOA (aldolase, fructose-bisphosphate A; plus strand), LOC112694756 (uncharaterized LOC112694756; plus strand). Cytogenetic location: 16p11.2.
Variant type: single nucleotide variant.
Coding change: c.861G>C on transcript NM_001243177.4 (MANE Select); coding-DNA position 861, G replaced by C.
Protein change: p.Met287Ile; replaces methionine 287 with isoleucine.
Molecular consequence: missense variant. On other transcripts: 3 prime UTR variant (3).
Genome position (GRCh38, 1-based): chr16:30,069,573, G>C. VCF-style: chr16-30069573-G-C. GRCh37 (hg19) VCF-style: chr16-30080894-G-C.
Other names: c.*1208G>C (NM_001365304.2, NM_001365305.2, NM_001365307.2); c.699G>C, p.Met233Ile (NM_001127617.2, NM_184041.5, NM_184043.2); short protein forms M233I, M287I.
Identifiers: ClinVar variation 4876773 (VCV004876773.1), dbSNP rs550915077.